The following is an entry in ClinVar:

NM_022166.4(XYLT1):c.899T>C (p.Phe300Ser)

Gene: XYLT1 (xylosyltransferase 1; minus strand). Cytogenetic location: 16p12.3.
Variant type: single nucleotide variant.
Coding change: c.899T>C on transcript NM_022166.4 (MANE Select); coding-DNA position 899, T replaced by C.
Protein change: p.Phe300Ser; replaces phenylalanine 300 with serine.
Molecular consequence: missense variant.
Genome position (GRCh38, 1-based): chr16:17,259,002, A>G on the plus strand (T>C on the coding strand, the complement: XYLT1 is on the minus strand). VCF-style: chr16-17259002-A-G. GRCh37 (hg19) VCF-style: chr16-17352859-A-G.
Other names: short protein forms F300S.
Identifiers: ClinVar variation 1525220 (VCV001525220.8), dbSNP rs2141757551, ClinGen allele CA394891696.

ClinVar aggregate classification (germline): Uncertain significance (1 of 4 stars; one submission).

Conditions:
Desbuquois dysplasia 1 (DBQD1). Also called: MICROMELIC DWARFISM WITH VERTEBRAL AND METAPHYSEAL ABNORMALITIES AND ADVANCED CARPOTARSAL OSSIFICATION; DESBUQUOIS DYSPLASIA 1, KIM VARIANT. Identifiers: Orphanet 1425, MedGen C4012146, MONDO:0009629, OMIM 251450.

Allele frequency attached by ClinVar (database versions not stated): gnomAD exomes below 0.00001.
gnomAD v4.1: 1 of 1,505,752 alleles (0.000066%); highest among the groups gnomAD compares: Non-Finnish European, 0.000089%; no homozygotes.

Submission:

Labcorp Genetics (formerly Invitae), Labcorp
Classification: Uncertain significance for Desbuquois dysplasia 1. Last evaluated: 2023-10-03. Review status: criteria provided, single submitter. Criteria: Invitae Variant Classification Sherloc (09022015). Collection method: clinical testing. Allele origin: germline.
Comment: This sequence change replaces phenylalanine, which is neutral and non-polar, with serine, which is neutral and polar, at codon 300 of the XYLT1 protein (p.Phe300Ser). This variant is not present in population databases (gnomAD no frequency). This variant has not been reported in the literature in individuals affected with XYLT1-related conditions. ClinVar contains an entry for this variant (Variation ID: 1525220). Advanced modeling of protein sequence and biophysical properties (such as structural, functional, and spatial information, amino acid conservation, physicochemical variation, residue mobility, and thermodynamic stability) performed at Invitae indicates that this missense variant is not expected to disrupt XYLT1 protein function. In summary, the available evidence is currently insufficient to determine the role of this variant in disease. Therefore, it has been classified as a Variant of Uncertain Significance.